The following is an entry in ClinVar:

ClinVar aggregate classification (germline): Uncertain significance. Review status: criteria provided, multiple submitters, no conflicts (2 of 4 stars). 2 submissions from 2 submitters: Uncertain significance (2). Last evaluated 2025-02-24.

Allele frequency attached by ClinVar (database versions not stated): gnomAD exomes below 0.00001 and 0.00001; ExAC 0.00003; gnomAD 0.00004 and 0.00005; TOPMed 0.00005.
gnomAD v4.1: 14 of 1,605,134 alleles (0.00087%); highest among the groups gnomAD compares: African/African-American, 0.012%; no homozygotes.

Submissions (2):

Labcorp Genetics (formerly Invitae), Labcorp
Classification: Uncertain significance. Last evaluated: 2025-02-24. Review status: criteria provided, single submitter. Criteria: Invitae Variant Classification Sherloc (09022015). Collection method: clinical testing. Allele origin: germline.
Comment: This sequence change replaces serine, which is neutral and polar, with threonine, which is neutral and polar, at codon 1091 of the ITGAM protein (p.Ser1091Thr). The frequency data for this variant in the population databases is considered unreliable, as metrics indicate poor data quality at this position in the gnomAD database. This variant has not been reported in the literature in individuals affected with ITGAM-related conditions. ClinVar contains an entry for this variant (Variation ID: 1370142). An algorithm developed to predict the effect of missense changes on protein structure and function outputs the following: PolyPhen-2: "Benign". The threonine amino acid residue is found in multiple mammalian species, which suggests that this missense change does not adversely affect protein function. In summary, the available evidence is currently insufficient to determine the role of this variant in disease. Therefore, it has been classified as a Variant of Uncertain Significance.

Ambry Genetics
Classification: Uncertain significance. Last evaluated: 2024-02-27. Review status: criteria provided, single submitter. Criteria: Ambry Variant Classification Scheme 2023. Collection method: clinical testing. Allele origin: germline.

NM_000632.4(ITGAM):c.3271T>A (p.Ser1091Thr)

Gene: ITGAM (integrin subunit alpha M; plus strand). Cytogenetic location: 16p11.2.
Variant type: single nucleotide variant.
Coding change: c.3271T>A on transcript NM_000632.4 (MANE Select); coding-DNA position 3271, T replaced by A.
Protein change: p.Ser1091Thr; replaces serine 1091 with threonine.
Molecular consequence: missense variant.
Genome position (GRCh38, 1-based): chr16:31,330,600, T>A. VCF-style: chr16-31330600-T-A. GRCh37 (hg19) VCF-style: chr16-31341921-T-A.
Other names: c.3274T>A, p.Ser1092Thr (NM_001145808.2); c.3271T>A (NM_000632.3); short protein forms S1091T, S1092T.
Identifiers: ClinVar variation 1370142 (VCV001370142.9), dbSNP rs768303554, ClinGen allele CA8026132.